The following is an entry in ClinVar:

ClinVar aggregate classification (germline): Conflicting classifications of pathogenicity. Review status: criteria provided, conflicting classifications (1 of 4 stars). 12 submissions from 11 submitters: Uncertain significance (7); Likely benign (4). 1 of the submissions does not count toward it. Last evaluated 2026-01-22.

Conditions:
Hereditary breast ovarian cancer syndrome. Also called: Hereditary breast and ovarian cancer syndrome; Hereditary breast and ovarian cancer; Hereditary breast and ovarian cancer syndrome (HBOC); Breast and ovarian cancer; Hereditary breast and/or ovarian cancer syndrome; BRCA1- and BRCA2-Associated Hereditary Breast and Ovarian Cancer. Identifiers: Orphanet 145, MedGen C0677776, MeSH D061325, MONDO:0003582. Disease mechanism: loss of function.
Hereditary cancer-predisposing syndrome. Also called: Neoplastic Syndromes, Hereditary; Tumor predisposition; Hereditary neoplastic syndrome; Hereditary Cancer Syndrome. Identifiers: Orphanet 140162, MedGen C0027672, MeSH D009386, MONDO:0015356.
Pancreatic cancer, susceptibility to, 2. Identifiers: Orphanet 1333, MedGen C3150546, MONDO:0013235, OMIM 613347.
Fanconi anemia complementation group D1. Also called: BRCA2-Related Fanconi Anemia. Identifiers: Orphanet 319462, MedGen C1838457, MONDO:0011584, OMIM 605724.
Breast-ovarian cancer, familial, susceptibility to, 2 (BROVCA2). Also called: BRCA2 Hereditary Breast and Ovarian Cancer. Identifiers: Orphanet 145, MedGen C2675520, MONDO:0012933, OMIM 612555. Disease mechanism: loss of function.

Allele frequency attached by ClinVar (database versions not stated): gnomAD 0.00001; TOPMed 0.00001.
gnomAD v4.1: 3 of 1,613,904 alleles (0.00019%); highest among the groups gnomAD compares: African/African-American, 0.0027%; no homozygotes.

Submissions (12):

Labcorp Genetics (formerly Invitae), Labcorp
Classification: Uncertain significance for Hereditary breast ovarian cancer syndrome. Last evaluated: 2026-01-22. Review status: criteria provided, single submitter. Criteria: Invitae Variant Classification Sherloc (09022015). Collection method: clinical testing. Allele origin: germline.
Comment: This sequence change replaces aspartic acid, which is acidic and polar, with glycine, which is neutral and non-polar, at codon 2238 of the BRCA2 protein (p.Asp2238Gly). This variant is present in population databases (rs80358895, gnomAD 0.01%). This variant has not been reported in the literature in individuals affected with BRCA2-related conditions. ClinVar contains an entry for this variant (Variation ID: 52166). Invitae Evidence Modeling of protein sequence and biophysical properties (such as structural, functional, and spatial information, amino acid conservation, physicochemical variation, residue mobility, and thermodynamic stability) indicates that this missense variant is not expected to disrupt BRCA2 protein function with a negative predictive value of 95%. RNA analysis performed to evaluate the impact of this missense change on mRNA splicing indicates it does not significantly alter splicing (internal data). In summary, the available evidence is currently insufficient to determine the role of this variant in disease. Therefore, it has been classified as a Variant of Uncertain Significance.

GeneDx
Classification: Uncertain significance. Last evaluated: 2025-02-21. Review status: criteria provided, single submitter. Criteria: GeneDx Variant Classification Process June 2021. Collection method: clinical testing. Allele origin: germline. Affected: yes.
Comment: Not observed at significant frequency in large population cohorts (gnomAD); In silico analysis indicates that this missense variant does not alter protein structure/function; Has not been previously published as pathogenic or benign to our knowledge; Also known as 6941A>G; This variant is associated with the following publications: (PMID: 10923033, 31131967, 32377563, 29884841)

ARUP Laboratories, Molecular Genetics and Genomics, ARUP Laboratories
Classification: Uncertain significance. Last evaluated: 2023-08-07. Review status: criteria provided, single submitter. Criteria: ARUP Molecular Germline Variant Investigation Process 2024. Collection method: clinical testing. Allele origin: germline.
Comment: The BRCA2 c.6713A>G; p.Asp2238Gly variant (rs80358895), to our knowledge, is not reported in the medical literature but is reported in ClinVar (Variation ID: 52166). This variant is only observed on one allele in the Genome Aggregation Database, indicating it is not a common polymorphism. Computational analyses are uncertain whether this variant is neutral or deleterious (REVEL: 0.33). Due to limited information, the clinical significance of this variant is uncertain at this time.

All of Us Research Program, National Institutes of Health
Classification: Likely benign for Breast-ovarian cancer, familial, susceptibility to, 2. Last evaluated: 2023-07-10. Review status: criteria provided, single submitter. Criteria: ACMG Guidelines, 2015. Collection method: clinical testing. Allele origin: germline. Inheritance: Autosomal dominant inheritance. Observed: 2 variant alleles, 2 heterozygotes.
Comment: This study involves interpretation of variants in research participants for the purpose of population health screening. Participant phenotype was not available at the time of variant classification. Additional details can be found in publication PMID: 35346344, PMCID: PMC8962531

University of Washington Department of Laboratory Medicine, University of Washington
Classification: Likely benign for Hereditary cancer-predisposing syndrome. Last evaluated: 2023-03-23. Review status: criteria provided, single submitter. Criteria: Dines et al. (Genet Med. 2020). Collection method: curation. Allele origin: germline.
Comment: Missense variant in a coldspot region where missense variants are very unlikely to be pathogenic (PMID:31911673).

BRCA2 exon 11 coldspot. Reclassification based on statistical prior probability.

Department of Pathology and Laboratory Medicine, Sinai Health System
Classification: Uncertain significance for Pancreatic cancer, susceptibility to, 2. Last evaluated: 2022-01-21. Review status: criteria provided, single submitter. Criteria: ACMG Guidelines, 2015. Collection method: clinical testing. Allele origin: germline. Affected: yes.

Illumina Laboratory Services, Illumina
Classification: Uncertain significance for Fanconi anemia complementation group D1. Last evaluated: 2018-01-13. Review status: criteria provided, single submitter. Criteria: ICSL Variant Classification Criteria 13 December 2019. Collection method: clinical testing. Allele origin: germline.

Illumina Laboratory Services, Illumina
Classification: Uncertain significance for Breast-ovarian cancer, familial, susceptibility to, 2. Last evaluated: 2018-01-13. Review status: criteria provided, single submitter. Criteria: ICSL Variant Classification Criteria 13 December 2019. Collection method: clinical testing. Allele origin: germline.

Ambry Genetics
Classification: Likely benign for Hereditary cancer-predisposing syndrome. Last evaluated: 2017-06-28. Review status: criteria provided, single submitter. Criteria: Ambry Variant Classification Scheme 2023. Collection method: clinical testing. Allele origin: germline.

Quest Diagnostics Nichols Institute San Juan Capistrano
Classification: Uncertain significance. Last evaluated: 2017-03-02. Review status: criteria provided, single submitter. Criteria: Quest Diagnostics criteria. Collection method: clinical testing. Allele origin: germline.

Color Diagnostics, LLC DBA Color Health
Classification: Likely benign for Hereditary cancer-predisposing syndrome. Last evaluated: 2017-02-21. Review status: criteria provided, single submitter. Criteria: ACMG Guidelines, 2015. Collection method: clinical testing. Allele origin: germline.

Breast Cancer Information Core (BIC) (BRCA2)
Classification: Uncertain significance for Breast-ovarian cancer, familial 2. Last evaluated: 2002-05-29. Review status: no assertion criteria provided. Collection method: clinical testing. Allele origin: germline. Affected: yes. Observed: 1 variant allele. Not counted in ClinVar's aggregate classification.

NM_000059.4(BRCA2):c.6713A>G (p.Asp2238Gly)

Gene: BRCA2 (BRCA2 DNA repair associated; plus strand). Cytogenetic location: 13q13.1.
Variant type: single nucleotide variant.
Coding change: c.6713A>G on transcript NM_000059.4 (MANE Select); coding-DNA position 6713, A replaced by G.
Protein change: p.Asp2238Gly; replaces aspartic acid 2238 with glycine.
Molecular consequence: missense variant.
Genome position (GRCh38, 1-based): chr13:32,341,068, A>G. VCF-style: chr13-32341068-A-G. GRCh37 (hg19) VCF-style: chr13-32915205-A-G.
Other names: p.D2238G:GAT>GGT; short protein forms D2238G.
Identifiers: ClinVar variation 52166 (VCV000052166.62), dbSNP rs80358895, ClinGen allele CA024315.